The following is an entry in ClinVar:

ClinVar aggregate classification (germline): Likely benign (1 of 4 stars; one submission).

Conditions:
Sialic acid storage disease, severe infantile type (ISSD). Also called: INFANTILE SIALIC ACID STORAGE DISORDER; N-ACETYLNEURAMINIC ACID STORAGE DISEASE; NANA STORAGE DISEASE; SIALURIA, INFANTILE FORM; Infantile Sialic Acid Storage Disease; Free sialic acid storage disease, infantile form. Identifiers: Orphanet 309324, Orphanet 834, MedGen C1096902, MONDO:0010027, OMIM 269920.

Allele frequency attached by ClinVar (database versions not stated): 1000 Genomes Project 0.00240; gnomAD 0.00245 and 0.00266; TOPMed 0.00271.

Submission:

Illumina Laboratory Services, Illumina
Classification: Likely benign for Sialic acid storage disease, severe infantile type. Last evaluated: 2018-01-13. Review status: criteria provided, single submitter. Criteria: ICSL Variant Classification Criteria 13 December 2019. Collection method: clinical testing. Allele origin: germline.
Comment: This variant was observed in the ICSL laboratory as part of a predisposition screen in an ostensibly healthy population. It had not been previously curated by ICSL or reported in the Human Gene Mutation Database (HGMD: prior to June 1st, 2018), and was therefore a candidate for classification through an automated scoring system. Utilizing variant allele frequency, disease prevalence and penetrance estimates, and inheritance mode, an automated score was calculated to assess if this variant is too frequent to cause the disease. Based on the score and internal cut-off values, a variant classified as likely benign is not then subjected to further curation. The score for this variant resulted in a classification of likely benign for this disease.

NM_012434.5(SLC17A5):c.*1492C>G

Gene: SLC17A5 (solute carrier family 17 member 5; minus strand). Cytogenetic location: 6q13.
Variant type: single nucleotide variant.
Coding change: c.*1492C>G on transcript NM_012434.5 (MANE Select); 1492 bases downstream of the stop codon, C replaced by G.
Molecular consequence: 3 prime UTR variant.
Genome position (GRCh38, 1-based): chr6:73,593,585, G>C on the plus strand (C>G on the coding strand, the complement: SLC17A5 is on the minus strand). VCF-style: chr6-73593585-G-C. GRCh37 (hg19) VCF-style: chr6-74303308-G-C.
Identifiers: ClinVar variation 357903 (VCV000357903.6), dbSNP rs148144074, ClinGen allele CA10622678.
Genomic context (GRCh38, chr6:73,593,585, plus strand): 5'-CAAAACATAAACTAAGTTTTAAGCCACATAGGTGTTCTGAAAGCATGCTCAACAACCACA[G>C]CCACTGGAGGATGGTCCACTGGAAAAATATGATTTCAGGAACCAGAAGTAAAGATGATTA-3'